The following is an entry in ClinVar:

ClinVar aggregate classification (germline): Pathogenic (1 of 4 stars; one submission).

Submission:

ISCA site 17
Classification: Pathogenic. Last evaluated: 2011-08-12. Review status: criteria provided, single submitter. Criteria: Kaminsky et al. (Genet Med. 2011). Collection method: clinical testing. Allele origin: unknown. Affected: yes. Observed: 1 variant allele.
Comment: Copy number variation identified through the course of routine clinical cytogenomic testing in postnatal populations. Clinical assertions have been curated as described in Kaminsky et al. 2011.

GRCh38/hg38 2q37.2-37.3(chr2:235268768-242065208)x1

Genes: ACKR3 (atypical chemokine receptor 3; plus strand), AGAP1 (ArfGAP with GTPase domain, ankyrin repeat and PH domain 1; plus strand), AGAP1-IT1 (AGAP1 intronic transcript 1; plus strand), AGXT (alanine--glyoxylate aminotransferase; plus strand), ANKMY1 (ankyrin repeat and MYND domain containing 1; minus strand) and 306 more. Cytogenetic location: 2q37.2-37.3.
Variant type: copy number loss.
Change: copy number 1 (one copy instead of two) of chr2:235,268,768-242,065,208 (6.80 Mb, GRCh38 coordinates, 1-based), cytogenetic band 2q37.2-37.3.
Identifiers: ClinVar variation 58882 (VCV000058882.1).